The following is an entry in ClinVar:

ClinVar aggregate classification (germline): Benign/Likely benign. Review status: criteria provided, multiple submitters, no conflicts (2 of 4 stars). 3 submissions from 3 submitters: Benign (2); Likely benign (1). Last evaluated 2023-02-17.

Conditions:
X-linked Alport syndrome (ATS1). Also called: COL4A5-Related Nephropathy; NEPHROPATHY AND DEAFNESS, X-LINKED. Identifiers: Orphanet 63, Orphanet 88917, MedGen C4746986, MONDO:0010520, OMIM 301050.

Submissions (3):

Women's Health and Genetics/Laboratory Corporation of America, LabCorp
Classification: Benign. Last evaluated: 2023-02-17. Review status: criteria provided, single submitter. Criteria: LabCorp Variant Classification Summary - May 2015. Collection method: clinical testing. Allele origin: germline.
Comment: Variant summary: COL4A5 c.1033-15delT alters a non-conserved nucleotide within a poly-T region located close to a canonical splice site and therefore could affect mRNA splicing, leading to a significantly altered protein sequence. 4/4 computational tools predict no significant impact on normal splicing. However, these predictions have yet to be confirmed by functional studies. The variant allele was found at a frequency of 0.0068 in 133794 control chromosomes in the gnomAD database, including 5 homozygotes. The observed variant frequency is approximately 1.5-fold of the estimated maximal expected allele frequency for a pathogenic variant in COL4A5 causing Alport Syndrome 1, X-Linked Recessive phenotype (0.0046), strongly suggesting that the variant is benign. Two clinical diagnostic laboratories have submitted clinical-significance assessments for this variant to ClinVar after 2014 and classified the variant as benign/likely benign. Based on the evidence outlined above, the variant was classified as benign.

GeneDx
Classification: Likely benign. Last evaluated: 2020-02-26. Review status: criteria provided, single submitter. Criteria: GeneDx Variant Classification Process June 2021. Collection method: clinical testing. Allele origin: germline. Affected: yes.

ARUP Laboratories, Molecular Genetics and Genomics, ARUP Laboratories
Classification: Benign for X-linked Alport syndrome. Last evaluated: 2018-12-13. Review status: criteria provided, single submitter. Criteria: ARUP Molecular Germline Variant Investigation Process. Collection method: clinical testing. Allele origin: germline.

NM_033380.3(COL4A5):c.1033-15del

Gene: COL4A5 (collagen type IV alpha 5 chain; plus strand). Cytogenetic location: Xq22.3.
Variant type: Deletion.
Coding change: c.1033-15del on transcript NM_033380.3 (MANE Select); 15 bases into the intron before coding-DNA position 1033, one base deleted (T; older notation c.1033-15delT).
Molecular consequence: intron variant.
Genome position (GRCh38, 1-based): chrX:108,586,600, T deleted; the last of 10 consecutive T bases (chrX:108,586,591-108,586,600); deleting any one gives the same sequence. VCF-style (leftmost placement, unchanged base first): chrX-108586590-AT-A. GRCh37 (hg19) VCF-style: chrX-107829820-AT-A.
Other names: c.1033-15del (NM_000495.5); c.1033-15delT (NM_000495.4).
Identifiers: ClinVar variation 24358 (VCV000024358.14), dbSNP rs104886089, ClinGen allele CA258390.